The following is an entry in ClinVar:

ClinVar aggregate classification (germline): Benign/Likely benign. Review status: criteria provided, multiple submitters, no conflicts (2 of 4 stars). 5 submissions from 5 submitters: Benign (1); Likely benign (4). Last evaluated 2026-08-01.

Conditions:
Spinocerebellar ataxia type 28 (SCA28). Also called: Spinocerebellar Ataxia Type 28 (SCA28). Identifiers: Orphanet 101109, MedGen C1853249, MONDO:0012450, OMIM 610246.

Allele frequency attached by ClinVar (database versions not stated): gnomAD 0.00006; TOPMed 0.00006; gnomAD exomes 0.00010; ESP Exome Variant Server 0.00015.
gnomAD v4.1: 304 of 1,614,060 alleles (0.019%); highest among the groups gnomAD compares: Non-Finnish European, 0.025%; 1 homozygote.

Submissions (5):

CeGaT Center for Human Genetics Tuebingen
Classification: Likely benign. Last evaluated: 2026-08-01. Review status: criteria provided, single submitter. Criteria: CeGaT Center For Human Genetics Tuebingen Variant Classification Criteria Version 2. Collection method: clinical testing. Allele origin: germline. Affected: yes. Observed: 3 variant alleles.
Comment: AFG3L2: BP4, BP7

Blueprint Genetics
Classification: Likely benign. Last evaluated: 2024-11-14. Review status: criteria provided, single submitter. Criteria: ACMG Guidelines, 2015. Collection method: clinical testing. Allele origin: germline.

Labcorp Genetics (formerly Invitae), Labcorp
Classification: Benign. Last evaluated: 2024-03-01. Review status: criteria provided, single submitter. Criteria: Invitae Variant Classification Sherloc (09022015). Collection method: clinical testing. Allele origin: germline.

GeneDx
Classification: Likely benign. Last evaluated: 2018-04-24. Review status: criteria provided, single submitter. Criteria: GeneDx Variant Classification (06012015). Collection method: clinical testing. Allele origin: germline. Affected: yes.
Comment: This variant is considered likely benign or benign based on one or more of the following criteria: it is a conservative change, it occurs at a poorly conserved position in the protein, it is predicted to be benign by multiple in silico algorithms, and/or has population frequency not consistent with disease.

Illumina Laboratory Services, Illumina
Classification: Likely benign for Spinocerebellar ataxia type 28. Last evaluated: 2018-01-12. Review status: criteria provided, single submitter. Criteria: ICSL Variant Classification Criteria 13 December 2019. Collection method: clinical testing. Allele origin: germline.
Comment: This variant was observed in the ICSL laboratory as part of a predisposition screen in an ostensibly healthy population. It had not been previously curated by ICSL or reported in the Human Gene Mutation Database (HGMD: prior to June 1st, 2018), and was therefore a candidate for classification through an automated scoring system. Utilizing variant allele frequency, disease prevalence and penetrance estimates, and inheritance mode, an automated score was calculated to assess if this variant is too frequent to cause the disease. Based on the score and internal cut-off values, a variant classified as likely benign is not then subjected to further curation. The score for this variant resulted in a classification of likely benign for this disease.

NM_006796.3(AFG3L2):c.1065G>A (p.Thr355=)

Gene: AFG3L2 (AFG3 like matrix AAA peptidase subunit 2; minus strand). Cytogenetic location: 18p11.21.
Variant type: single nucleotide variant.
Coding change: c.1065G>A on transcript NM_006796.3 (MANE Select); coding-DNA position 1065, G replaced by A.
Protein change: p.Thr355=; no amino-acid change (threonine 355 retained).
Molecular consequence: synonymous variant.
Genome position (GRCh38, 1-based): chr18:12,356,793, C>T on the plus strand (G>A on the coding strand, the complement: AFG3L2 is on the minus strand). VCF-style: chr18-12356793-C-T. GRCh37 (hg19) VCF-style: chr18-12356792-C-T.
Identifiers: ClinVar variation 668162 (VCV000668162.23), dbSNP rs139181972, ClinGen allele CA8896600.